The following is an entry in ClinVar:

ClinVar aggregate classification (germline): Pathogenic/Likely pathogenic. Review status: criteria provided, multiple submitters, no conflicts (2 of 4 stars). 2 submissions from 2 submitters: Pathogenic (1); Likely pathogenic (1). Last evaluated 2024-12-01.

Conditions:
Familial dysautonomia. Also called: HSAN III; FD. Identifiers: Orphanet 1764, MedGen C0013364, MONDO:0009131, OMIM 223900. Disease mechanism: loss of function.

Submissions (2):

Natera, Inc.
Classification: Likely pathogenic for Familial dysautonomia. Last evaluated: 2024-12-01. Review status: criteria provided, single submitter. Criteria: Natera Variant Classification Schema (03/2026). Collection method: clinical testing. Allele origin: germline.
Comment: The c.1615_1618del variant in ELP1 is a frameshift variant predicted to shift the reading frame beginning at codon 539 and leads to a stop codon 18 codons downstream. This variant is expected to result in nonsense mediated decay, truncation, or a dysfunctional protein product. This variant is rare in the general population with a frequency below the threshold expected for the associated phenotype(s). Given the available evidence, this variant is classified as Likely Pathogenic.

Labcorp Genetics (formerly Invitae), Labcorp
Classification: Pathogenic. Last evaluated: 2022-05-28. Review status: criteria provided, single submitter. Criteria: Invitae Variant Classification Sherloc (09022015). Collection method: clinical testing. Allele origin: germline.
Comment: This sequence change creates a premature translational stop signal (p.Asp539Lysfs*18) in the ELP1 gene. It is expected to result in an absent or disrupted protein product. Loss-of-function variants in ELP1 are known to be pathogenic (PMID: 18303054, 24173031). This variant is not present in population databases (gnomAD no frequency). This variant has not been reported in the literature in individuals affected with ELP1-related conditions. For these reasons, this variant has been classified as Pathogenic.

Literature cited by the submitters: PubMed 18303054 (cited by Labcorp Genetics (formerly Invitae), Labcorp); PubMed 24173031 (cited by Labcorp Genetics (formerly Invitae), Labcorp).

NM_003640.5(ELP1):c.1615_1618del (p.Asp539fs)

Gene: ELP1 (elongator acetyltransferase complex subunit 1; minus strand). Cytogenetic location: 9q31.3.
Variant type: Microsatellite.
Coding change: c.1615_1618del on transcript NM_003640.5 (MANE Select); coding-DNA positions 1615 to 1618, 4 bases deleted (GATG; older notation c.1615_1618delGATG).
Protein change: p.Asp539fs; shifts the reading frame from aspartic acid 539.
Molecular consequence: frameshift variant.
Genome position (GRCh38, 1-based): chr9:108,906,328-108,906,331, CATC deleted on the plus strand (GATG on the coding strand, the reverse complement: ELP1 is on the minus strand); deleting any 4 consecutive bases within chr9:108,906,328-108,906,335 gives the same sequence; the c. name uses the placement nearest the transcript's 3' end. VCF-style (leftmost placement, unchanged base first): chr9-108906327-TCATC-T. GRCh37 (hg19) VCF-style: chr9-111668607-TCATC-T.
Other names: c.1615_1618del (NM_003640.4); c.1273_1276del, p.Asp425fs (NM_001318360.2); c.568_571del, p.Asp190fs (NM_001330749.2); short protein forms D190fs, D539fs, D425fs.
Identifiers: ClinVar variation 1457413 (VCV001457413.7), dbSNP rs2132003172, ClinGen allele CA2580616282.